The following is an entry in ClinVar:

ClinVar aggregate classification (germline): Pathogenic. Review status: reviewed by expert panel (3 of 4 stars). 2 submissions from 2 submitters: Pathogenic (1). 1 of the submissions does not count toward it. Last evaluated 2016-10-18.

Conditions:
Breast-ovarian cancer, familial, susceptibility to, 2 (BROVCA2). Also called: BRCA2 Hereditary Breast and Ovarian Cancer. Identifiers: Orphanet 145, MedGen C2675520, MONDO:0012933, OMIM 612555. Disease mechanism: loss of function.

Submissions (2):

Evidence-based Network for the Interpretation of Germline Mutant Alleles (ENIGMA)
Classification: Pathogenic for Breast-ovarian cancer, familial, susceptibility to, 2. Last evaluated: 2016-10-18. Review status: reviewed by expert panel. Criteria: ENIGMA BRCA1/2 Classification Criteria (2015). Collection method: curation. Allele origin: germline.
Comment: Variant allele predicted to encode a truncated non-functional protein.

Consortium of Investigators of Modifiers of BRCA1/2 (CIMBA), c/o University of Cambridge
Classification: Pathogenic for Breast-ovarian cancer, familial, susceptibility to, 2. Last evaluated: 2015-10-02. Review status: criteria provided, single submitter. Criteria: CIMBA Mutation Classification guidelines May 2016. Collection method: clinical testing. Allele origin: germline. Not counted in ClinVar's aggregate classification.

NM_000059.4(BRCA2):c.433_437del (p.Val145fs)

Gene: BRCA2 (BRCA2 DNA repair associated; plus strand). Cytogenetic location: 13q13.1.
Variant type: Deletion.
Coding change: c.433_437del on transcript NM_000059.4 (MANE Select); coding-DNA positions 433 to 437, 5 bases deleted (GTTCT; older notation c.433_437delGTTCT).
Protein change: p.Val145fs; shifts the reading frame from valine 145.
Molecular consequence: frameshift variant.
Genome position (GRCh38, 1-based): chr13:32,326,108-32,326,112, GTTCT deleted; deleting any 5 consecutive bases within chr13:32,326,107-32,326,112 gives the same sequence; the c. name uses the placement nearest the transcript's 3' end. VCF-style (leftmost placement, unchanged base first): chr13-32326106-TTGTTC-T. GRCh37 (hg19) VCF-style: chr13-32900243-TTGTTC-T.
Other names: 660delTGTTC; short protein forms V145fs.
Identifiers: ClinVar variation 266804 (VCV000266804.5), dbSNP rs886040523, ClinGen allele CA10589023.